The following is an entry in ClinVar:

NM_017780.4(CHD7):c.5170G>A (p.Glu1724Lys)

Gene: CHD7 (chromodomain helicase DNA binding protein 7; plus strand). Cytogenetic location: 8q12.2.
Variant type: single nucleotide variant.
Coding change: c.5170G>A on transcript NM_017780.4 (MANE Select); coding-DNA position 5170, G replaced by A.
Protein change: p.Glu1724Lys; replaces glutamic acid 1724 with lysine.
Molecular consequence: missense variant. On other transcripts: intron variant (1).
Genome position (GRCh38, 1-based): chr8:60,845,369, G>A. VCF-style: chr8-60845369-G-A. GRCh37 (hg19) VCF-style: chr8-61757928-G-A.
Other names: c.1717-16860G>A (NM_001316690.1); short protein forms E1724K.
Identifiers: ClinVar variation 4281989 (VCV004281989.1).
Genomic context (GRCh38, chr8:60,845,369, plus strand): 5'-CAGCCGGTGGTGCAGGATGCCGACTGGCTGGCCAGCTGCAACCCAGATGCCCTGTTCCAG[G>A]AGGACAGCTACAAGAAACACCTGAAGCATCACTGTAACAAGTATGTTATTAGAGGGTGGA-3'
Protein context (NP_060250.2, residues 1714-1734): ASCNPDALFQ[Glu1724Lys]DSYKKHLKHH

ClinVar aggregate classification (germline): Uncertain significance (1 of 4 stars; one submission).

Submission:

GeneDx
Classification: Uncertain significance. Last evaluated: 2025-04-16. Review status: criteria provided, single submitter. Criteria: GeneDx Variant Classification Process June 2021. Collection method: clinical testing. Allele origin: germline. Affected: yes.
Comment: Not observed at significant frequency in large population cohorts (gnomAD); In silico analysis indicates that this missense variant does not alter protein structure/function; Has not been previously published as pathogenic or benign to our knowledge